The following is an entry in ClinVar:

NM_138694.4(PKHD1):c.4854C>T (p.Ile1618=)

Genes: PKHD1 (PKHD1 ciliary IPT domain containing fibrocystin/polyductin; minus strand), LOC126859690 (MED14-independent group 3 enhancer GRCh37_chr6:51888848-51890047; plus strand). Cytogenetic location: 6p12.2.
Variant type: single nucleotide variant.
Coding change: c.4854C>T on transcript NM_138694.4 (MANE Select); coding-DNA position 4854, C replaced by T.
Protein change: p.Ile1618=; no amino-acid change (isoleucine 1618 retained).
Molecular consequence: synonymous variant.
Genome position (GRCh38, 1-based): chr6:52,024,956, G>A on the plus strand (C>T on the coding strand, the complement: PKHD1 is on the minus strand). VCF-style: chr6-52024956-G-A. GRCh37 (hg19) VCF-style: chr6-51889754-G-A.
Other names: c.4854C>T, p.Ile1618= (NM_170724.3).
Identifiers: ClinVar variation 594876 (VCV000594876.26), dbSNP rs140674740, ClinGen allele CA3852654.

ClinVar aggregate classification (germline): Conflicting classifications of pathogenicity. Review status: criteria provided, conflicting classifications (1 of 4 stars). 4 submissions from 4 submitters: Uncertain significance (1); Likely benign (1). 2 of the submissions do not count toward it. Last evaluated 2026-01-14.

Conditions:
PKHD1-related disorder. Also called: PKHD1-related condition.
Autosomal recessive polycystic kidney disease (ARPKD). Also called: AR polycystic kidney disease. Identifiers: Orphanet 731, Orphanet 8378, MedGen C0085548, MeSH D017044, MONDO:0009889.

Allele frequency attached by ClinVar (database versions not stated): gnomAD exomes 0.00006 and 0.00009; ExAC 0.00007; TOPMed 0.00008; gnomAD 0.00014 and 0.00015; ESP Exome Variant Server 0.00015.
gnomAD v4.1: 147 of 1,614,062 alleles (0.0091%); highest among the groups gnomAD compares: African/African-American, 0.021%; no homozygotes.

Submissions (4):

Labcorp Genetics (formerly Invitae), Labcorp
Classification: Likely benign for Autosomal recessive polycystic kidney disease. Last evaluated: 2026-01-14. Review status: criteria provided, single submitter. Criteria: Invitae Variant Classification Sherloc (09022015). Collection method: clinical testing. Allele origin: germline.

Eurofins Ntd Llc (ga)
Classification: Uncertain significance. Last evaluated: 2017-11-06. Review status: criteria provided, single submitter. Criteria: EGL Classification Definitions 2015. Collection method: clinical testing. Allele origin: germline. Observed: 1 variant allele, 1 heterozygote.

PreventionGenetics, part of Exact Sciences
Classification: Likely benign for PKHD1-related condition. Last evaluated: 2021-07-19. Review status: no assertion criteria provided. Collection method: clinical testing. Allele origin: germline. Not counted in ClinVar's aggregate classification.
Comment: This variant is classified as likely benign based on ACMG/AMP sequence variant interpretation guidelines (Richards et al. 2015 PMID: 25741868, with internal and published modifications).

Natera, Inc.
Classification: Likely benign for Autosomal recessive polycystic kidney disease. Last evaluated: 2017-11-15. Review status: no assertion criteria provided. Collection method: clinical testing. Allele origin: germline. Not counted in ClinVar's aggregate classification.